The following is an entry in ClinVar:

ClinVar aggregate classification (germline): Likely benign. Review status: criteria provided, multiple submitters, no conflicts (2 of 4 stars). 5 submissions from 5 submitters: Likely benign (3). 2 of the submissions do not count toward it. Last evaluated 2026-01-07.

Conditions:
CREBBP-related disorder. Also called: CREBBP-related condition; CREBBP-related disorders.
Rubinstein-Taybi syndrome (RSTS). Identifiers: Orphanet 783, MedGen C0035934, MONDO:0019188.
Inborn genetic diseases. Identifiers: MedGen C0950123, MeSH D030342.

Allele frequency attached by ClinVar (database versions not stated): gnomAD exomes 0.00006 and 0.00020; ExAC 0.00024; TOPMed 0.00072; gnomAD 0.00076 and 0.00084; ESP Exome Variant Server 0.00077; 1000 Genomes Project 0.00120; 1000 Genomes Project 30x 0.00172.
gnomAD v4.1: 204 of 1,614,040 alleles (0.013%); highest among the groups gnomAD compares: African/African-American, 0.25%; no homozygotes.

Submissions (5):

Labcorp Genetics (formerly Invitae), Labcorp
Classification: Likely benign for Rubinstein-Taybi syndrome. Last evaluated: 2026-01-07. Review status: criteria provided, single submitter. Criteria: Invitae Variant Classification Sherloc (09022015). Collection method: clinical testing. Allele origin: germline.

Blueprint Genetics
Classification: Likely benign. Last evaluated: 2022-07-17. Review status: criteria provided, single submitter. Criteria: ACMG Guidelines, 2015. Collection method: clinical testing. Allele origin: germline.

Ambry Genetics
Classification: Likely benign for Inborn genetic diseases. Last evaluated: 2017-05-11. Review status: criteria provided, single submitter. Criteria: Ambry Variant Classification Scheme 2023. Collection method: clinical testing. Allele origin: germline.

PreventionGenetics, part of Exact Sciences
Classification: Likely benign for CREBBP-related condition. Last evaluated: 2021-12-20. Review status: no assertion criteria provided. Collection method: clinical testing. Allele origin: germline. Not counted in ClinVar's aggregate classification.
Comment: This variant is classified as likely benign based on ACMG/AMP sequence variant interpretation guidelines (Richards et al. 2015 PMID: 25741868, with internal and published modifications).

ITMI
No classification provided. Condition: AllHighlyPenetrant. Last evaluated: 2013-09-19. Review status: no classification provided. Collection method: reference population. Allele origin: germline. Not counted in ClinVar's aggregate classification.
Comment: Please see associated publication for description of ethnicities

Literature cited by the submitters: PubMed 24728327 (cited by ITMI).

NM_004380.3(CREBBP):c.895A>G (p.Ser299Gly)

Gene: CREBBP (CREB binding lysine acetyltransferase; minus strand). Cytogenetic location: 16p13.3.
Variant type: single nucleotide variant.
Coding change: c.895A>G on transcript NM_004380.3 (MANE Select); coding-DNA position 895, A replaced by G.
Protein change: p.Ser299Gly; replaces serine 299 with glycine.
Molecular consequence: missense variant.
Genome position (GRCh38, 1-based): chr16:3,810,683, T>C on the plus strand (A>G on the coding strand, the complement: CREBBP is on the minus strand). VCF-style: chr16-3810683-T-C. GRCh37 (hg19) VCF-style: chr16-3860684-T-C.
Other names: c.895A>G, p.Ser299Gly (NM_001079846.1); short protein forms S299G.
Identifiers: ClinVar variation 133934 (VCV000133934.16), dbSNP rs149961222, ClinGen allele CA158188.